The following is an entry in ClinVar:

NM_024675.4(PALB2):c.252C>G (p.Ile84Met)

Gene: PALB2 (partner and localizer of BRCA2; minus strand). Cytogenetic location: 16p12.2.
Variant type: single nucleotide variant.
Coding change: c.252C>G on transcript NM_024675.4 (MANE Select); coding-DNA position 252, C replaced by G.
Protein change: p.Ile84Met; replaces isoleucine 84 with methionine.
Molecular consequence: missense variant.
Genome position (GRCh38, 1-based): chr16:23,636,294, G>C on the plus strand (C>G on the coding strand, the complement: PALB2 is on the minus strand). VCF-style: chr16-23636294-G-C. GRCh37 (hg19) VCF-style: chr16-23647615-G-C.
Other names: short protein forms I84M.
Identifiers: ClinVar variation 853267 (VCV000853267.10), dbSNP rs1967059537, ClinGen allele CA395138902.

ClinVar aggregate classification (germline): Uncertain significance (1 of 4 stars; one submission).

Conditions:
Familial cancer of breast. Also called: Hereditary breast cancer; hereditary breast carcinoma; BREAST CANCER, FAMILIAL. Identifiers: Orphanet 227535, MedGen C0346153, MONDO:0016419, OMIM 114480. Disease mechanism: loss of function.

Submission:

Labcorp Genetics (formerly Invitae), Labcorp
Classification: Uncertain significance for Familial cancer of breast. Last evaluated: 2019-05-31. Review status: criteria provided, single submitter. Criteria: Invitae Variant Classification Sherloc (09022015). Collection method: clinical testing. Allele origin: germline.
Comment: In summary, the available evidence is currently insufficient to determine the role of this variant in disease. Therefore, it has been classified as a Variant of Uncertain Significance. This sequence change replaces isoleucine with methionine at codon 84 of the PALB2 protein (p.Ile84Met). The isoleucine residue is weakly conserved and there is a small physicochemical difference between isoleucine and methionine. This variant is not present in population databases (ExAC no frequency). This variant has not been reported in the literature in individuals with PALB2-related conditions. Algorithms developed to predict the effect of missense changes on protein structure and function are either unavailable or do not agree on the potential impact of this missense change (SIFT: "Tolerated"; PolyPhen-2: "Probably Damaging"; Align-GVGD: "Class C0").